The following is an entry in ClinVar:

NM_000020.3(ACVRL1):c.743_744del (p.Thr248fs)

Gene: ACVRL1 (activin A receptor like type 1; plus strand). Cytogenetic location: 12q13.13.
Variant type: Microsatellite.
Coding change: c.743_744del on transcript NM_000020.3 (MANE Select); coding-DNA positions 743 to 744, 2 bases deleted (CA; older notation c.743_744delCA).
Protein change: p.Thr248fs; shifts the reading frame from threonine 248.
Molecular consequence: frameshift variant.
Genome position (GRCh38, 1-based): chr12:51,914,556-51,914,557, CA deleted; deleting any 2 consecutive bases within chr12:51,914,553-51,914,557 gives the same sequence; the c. name uses the placement nearest the transcript's 3' end. VCF-style (leftmost placement, unchanged base first): chr12-51914552-AAC-A. GRCh37 (hg19) VCF-style: chr12-52308336-AAC-A.
Other names: c.743_744del, p.Thr248fs (NM_001077401.2); c.743_744del (NM_000020.2); short protein forms T248fs.
Identifiers: ClinVar variation 439389 (VCV000439389.17), dbSNP rs1555152955, ClinGen allele CA645509325.

ClinVar aggregate classification (germline): Pathogenic. Review status: criteria provided, multiple submitters, no conflicts (2 of 4 stars). 3 submissions from 3 submitters: Pathogenic (3). Last evaluated 2025-03-26.

Conditions:
Telangiectasia, hereditary hemorrhagic, type 2 (HHT2). Also called: Telangiectasia, hereditary hemorrhagic, type II; ACVRL1-Related Hereditary Hemorrhagic Telangiectasia. Identifiers: Orphanet 774, MedGen C1838163, MONDO:0010880, OMIM 600376. Disease mechanism: loss of function.
Telangiectasia. Identifiers: MedGen C0039446, MONDO:0001576, HP:0001009.

Submissions (3):

ARUP Laboratories, Molecular Genetics and Genomics, ARUP Laboratories
Classification: Pathogenic for Telangiectasia, hereditary hemorrhagic, type 2. Last evaluated: 2025-03-26. Review status: criteria provided, single submitter. Criteria: ARUP Molecular Germline Variant Investigation Process 2024. Collection method: clinical testing. Allele origin: germline.
Comment: The ACVRL1 c.743_744del; p.Thr248SerfsTer143 variant (rs1555152955, ClinVar Variation ID: 439389) is reported in the literature in multiple individuals affected with hereditary hemorrhagic telangiectasia (Richards-Yutz 2010, Wehner 2006). This variant is absent from the Genome Aggregation Database (v2.1.1), indicating it is not a common polymorphism. This variant causes a frameshift by deleting two nucleotides, so it is predicted to result in a truncated protein or mRNA subject to nonsense-mediated decay. Based on the above information, this variant is considered pathogenic. References: Richards-Yutz J et al. Update on molecular diagnosis of hereditary hemorrhagic telangiectasia. Hum Genet. 2010 Jul;128(1):61-77. PMID: 20414677. Wehner LE et al. Mutation analysis in hereditary haemorrhagic telangiectasia in Germany reveals 11 novel ENG and 12 novel ACVRL1/ALK1 mutations. Clin Genet. 2006 Mar;69(3):239-45. PMID: 16542389.

Labcorp Genetics (formerly Invitae), Labcorp
Classification: Pathogenic for Telangiectasia, hereditary hemorrhagic, type 2. Last evaluated: 2024-09-17. Review status: criteria provided, single submitter. Criteria: Invitae Variant Classification Sherloc (09022015). Collection method: clinical testing. Allele origin: germline.
Comment: This sequence change creates a premature translational stop signal (p.Thr248Serfs*143) in the ACVRL1 gene. It is expected to result in an absent or disrupted protein product. Loss-of-function variants in ACVRL1 are known to be pathogenic (PMID: 15879500). This variant is not present in population databases (gnomAD no frequency). This premature translational stop signal has been observed in individual(s) with hereditary hemorrhagic telangiectasia (PMID: 16542389, 20414677). ClinVar contains an entry for this variant (Variation ID: 439389). For these reasons, this variant has been classified as Pathogenic.

Clinical Genetics Laboratory, Skane University Hospital Lund
Classification: Pathogenic for Telangiectasia. Last evaluated: 2024-07-17. Review status: criteria provided, single submitter. Criteria: ACMG Guidelines, 2015. Collection method: clinical testing. Allele origin: germline. Affected: yes.
Comment: PVS1, PS4, PM2

Literature cited by the submitters: PubMed 15879500 (cited by Labcorp Genetics (formerly Invitae), Labcorp); PubMed 16542389 (cited by Labcorp Genetics (formerly Invitae), Labcorp); PubMed 20414677 (cited by Labcorp Genetics (formerly Invitae), Labcorp).